The following is an entry in ClinVar:

ClinVar aggregate classification (germline): Likely benign. Review status: criteria provided, multiple submitters, no conflicts (2 of 4 stars). 4 submissions from 4 submitters: Likely benign (4). Last evaluated 2026-04-01.

Conditions:
RYR1-related disorder. Also called: RYR1-related disorders; RYR1-related condition. Identifiers: MedGen CN239331.
Malignant hyperthermia, susceptibility to, 1 (MHS1). Also called: Anesthesia related hyperthermia; Malignant hyperpyrexia; Fulminating hyperpyrexia; Pharmacogenic myopathy; RYR1-Related Malignant Hyperthermia Susceptibility; Malignant hyperthermia suceptibility 1. Identifiers: Orphanet 423, MedGen C2930980, MONDO:0007783, OMIM 145600.

Allele frequency attached by ClinVar (database versions not stated): ExAC below 0.00001; gnomAD exomes 0.00002 and 0.00009; gnomAD 0.00003; TOPMed 0.00004.
gnomAD v4.1: 35 of 1,553,416 alleles (0.0023%); highest among the groups gnomAD compares: Admixed American, 0.031%; no homozygotes.

Submissions (4):

CeGaT Center for Human Genetics Tuebingen
Classification: Likely benign. Last evaluated: 2026-04-01. Review status: criteria provided, single submitter. Criteria: CeGaT Center For Human Genetics Tuebingen Variant Classification Criteria Version 2. Collection method: clinical testing. Allele origin: germline. Affected: yes. Observed: 2 variant alleles.
Comment: RYR1: BP4, BP7

Labcorp Genetics (formerly Invitae), Labcorp
Classification: Likely benign for RYR1-related disorder. Last evaluated: 2025-11-26. Review status: criteria provided, single submitter. Criteria: Invitae Variant Classification Sherloc (09022015). Collection method: clinical testing. Allele origin: germline.

All of Us Research Program, National Institutes of Health
Classification: Likely benign for Malignant hyperthermia, susceptibility to, 1. Last evaluated: 2023-12-13. Review status: criteria provided, single submitter. Criteria: ACMG Guidelines, 2015. Collection method: clinical testing. Allele origin: germline. Inheritance: Autosomal dominant inheritance. Observed: 11 variant alleles, 11 heterozygotes.
Comment: This study involves interpretation of variants in research participants for the purpose of population health screening. Participant phenotype was not available at the time of variant classification. Additional details can be found in publication PMID: 35346344, PMCID: PMC8962531

Color Diagnostics, LLC DBA Color Health
Classification: Likely benign for Malignant hyperthermia, susceptibility to, 1. Last evaluated: 2022-11-06. Review status: criteria provided, single submitter. Criteria: ACMG Guidelines, 2015. Collection method: clinical testing. Allele origin: germline.

NM_000540.3(RYR1):c.9612G>A (p.Ala3204=)

Gene: RYR1 (ryanodine receptor 1; plus strand). Cytogenetic location: 19q13.2.
Variant type: single nucleotide variant.
Coding change: c.9612G>A on transcript NM_000540.3 (MANE Select); coding-DNA position 9612, G replaced by A.
Protein change: p.Ala3204=; no amino-acid change (alanine 3204 retained).
Molecular consequence: synonymous variant.
Genome position (GRCh38, 1-based): chr19:38,516,144, G>A. VCF-style: chr19-38516144-G-A. GRCh37 (hg19) VCF-style: chr19-39006784-G-A.
Other names: c.9612G>A, p.Ala3204= (NM_001042723.2).
Identifiers: ClinVar variation 702468 (VCV000702468.43), dbSNP rs748122408, ClinGen allele CA073895.